The following is an entry in ClinVar:

ClinVar aggregate classification (germline): Pathogenic (1 of 4 stars; one submission).

Conditions:
Bethlem myopathy 1A. Also called: MYOPATHY, BENIGN CONGENITAL, WITH CONTRACTURES; Bethlem Muscular Dystrophy; Bethlem myopathy 1. Identifiers: Orphanet 610, MedGen CN029274, MONDO:0024530, OMIM 158810.

Submission:

Labcorp Genetics (formerly Invitae), Labcorp
Classification: Pathogenic for Bethlem myopathy 1. Last evaluated: 2019-05-01. Review status: criteria provided, single submitter. Criteria: Invitae Variant Classification Sherloc (09022015). Collection method: clinical testing. Allele origin: germline.
Comment: This variant is a gross deletion of the genomic region encompassing exons 2-17 of the COL6A2 gene, which includes the initiator codon. The 5' end of this event is unknown as it extends beyond the assayed region for this gene and therefore may encompass additional genes. The 3' boundary is likely confined to intron 17 of the COL6A2 gene. This is expected to result in an absent or disrupted protein product. This variant has not been reported in the literature in individuals with COL6A2-related disease. Loss-of-function variants in COL6A2 are known to be pathogenic (PMID: 19884007, 20976770). For these reasons, this variant has been classified as Pathogenic.

NC_000021.9:g.(?_46111467)_(46121133_?)del

Gene: COL6A2 (collagen type VI alpha 2 chain; plus strand). Cytogenetic location: 21q22.3.
Variant type: Deletion.
Identifiers: ClinVar variation 832276 (VCV000832276.1).